The following is an entry in ClinVar:

ClinVar aggregate classification (germline): Uncertain significance (1 of 4 stars; one submission).

Conditions:
Cardiovascular phenotype. Identifiers: MedGen CN230736.

Allele frequency attached by ClinVar (database versions not stated): gnomAD exomes below 0.00001; ExAC 0.00001; TOPMed 0.00001; gnomAD 0.00002; 1000 Genomes Project 30x 0.00016; 1000 Genomes Project 0.00020.
gnomAD v4.1: 8 of 1,613,964 alleles (0.0005%); highest among the groups gnomAD compares: African/African-American, 0.004%; no homozygotes.

Submission:

Ambry Genetics
Classification: Uncertain significance for Cardiovascular phenotype. Last evaluated: 2020-06-26. Review status: criteria provided, single submitter. Criteria: Ambry Variant Classification Scheme 2023. Collection method: clinical testing. Allele origin: germline.
Comment: The p.V4265I variant (also known as c.12793G>A), located in coding exon 29 of the APOB gene, results from a G to A substitution at nucleotide position 12793. The valine at codon 4265 is replaced by isoleucine, an amino acid with highly similar properties. This amino acid position is poorly conserved in available vertebrate species. In addition, this alteration is predicted to be tolerated by in silico analysis. Since supporting evidence is limited at this time, the clinical significance of this alteration remains unclear.

NM_000384.3(APOB):c.12793G>A (p.Val4265Ile)

Gene: APOB (apolipoprotein B; minus strand). Cytogenetic location: 2p24.1.
Variant type: single nucleotide variant.
Coding change: c.12793G>A on transcript NM_000384.3 (MANE Select); coding-DNA position 12793, G replaced by A.
Protein change: p.Val4265Ile; replaces valine 4265 with isoleucine.
Molecular consequence: missense variant.
Genome position (GRCh38, 1-based): chr2:21,002,629, C>T on the plus strand (G>A on the coding strand, the complement: APOB is on the minus strand). VCF-style: chr2-21002629-C-T. GRCh37 (hg19) VCF-style: chr2-21225501-C-T.
Other names: short protein forms V4265I.
Identifiers: ClinVar variation 1767218 (VCV001767218.2), dbSNP rs540192015, ClinGen allele CA051125.